The following is an entry in ClinVar:

ClinVar aggregate classification (germline): Uncertain significance (1 of 4 stars; one submission).

Conditions:
Primary ciliary dyskinesia. Also called: Ciliary dyskinesia. Identifiers: Orphanet 244, MedGen C0008780, MONDO:0016575, HP:0012265.

gnomAD v4.1: 6 of 1,613,548 alleles (0.00037%); highest among the groups gnomAD compares: East Asian, 0.0022%; no homozygotes.

Submission:

Labcorp Genetics (formerly Invitae), Labcorp
Classification: Uncertain significance for Primary ciliary dyskinesia. Last evaluated: 2021-08-28. Review status: criteria provided, single submitter. Criteria: Invitae Variant Classification Sherloc (09022015). Collection method: clinical testing. Allele origin: germline.
Comment: This sequence change replaces serine with cysteine at codon 1544 of the DNAH11 protein (p.Ser1544Cys). The serine residue is moderately conserved and there is a moderate physicochemical difference between serine and cysteine. This variant is not present in population databases (ExAC no frequency). This variant has not been reported in the literature in individuals affected with DNAH11-related conditions. Algorithms developed to predict the effect of missense changes on protein structure and function are either unavailable or do not agree on the potential impact of this missense change (SIFT: "Deleterious"; PolyPhen-2: "Possibly Damaging"; Align-GVGD: "Class C0"). In summary, the available evidence is currently insufficient to determine the role of this variant in disease. Therefore, it has been classified as a Variant of Uncertain Significance.

NM_001277115.2(DNAH11):c.4631C>G (p.Ser1544Cys)

Gene: DNAH11 (dynein axonemal heavy chain 11; plus strand). Cytogenetic location: 7p15.3.
Variant type: single nucleotide variant.
Coding change: c.4631C>G on transcript NM_001277115.2 (MANE Select); coding-DNA position 4631, C replaced by G.
Protein change: p.Ser1544Cys; replaces serine 1544 with cysteine.
Molecular consequence: missense variant.
Genome position (GRCh38, 1-based): chr7:21,636,001, C>G. VCF-style: chr7-21636001-C-G. GRCh37 (hg19) VCF-style: chr7-21675619-C-G.
Other names: short protein forms S1544C.
Identifiers: ClinVar variation 454677 (VCV000454677.6), dbSNP rs1370594077, ClinGen allele CA366933405.